The following is an entry in ClinVar:

ClinVar aggregate classification (germline): Uncertain significance. Review status: criteria provided, single submitter (1 of 4 stars). 2 submissions from 2 submitters: Uncertain significance (1). 1 of the submissions does not count toward it. Last evaluated 2020-05-31.

Conditions:
Alpha thalassemia-X-linked intellectual disability syndrome (ATRX). Also called: ALPHA-THALASSEMIA/MENTAL RETARDATION SYNDROME, X-LINKED; ATR, NONDELETION TYPE; ATR-X syndrome; Alpha thalassemia mental retardation syndrome, nondeletion type, X-linked; XLMR hypotonic face syndrome; X-linked alpha-thalassemia-mental retardation syndrome. Identifiers: Orphanet 847, MedGen C1845055, MONDO:0010519, OMIM 301040.

Submissions (2):

Labcorp Genetics (formerly Invitae), Labcorp
Classification: Uncertain significance for Alpha thalassemia-X-linked intellectual disability syndrome. Last evaluated: 2020-05-31. Review status: criteria provided, single submitter. Criteria: Invitae Variant Classification Sherloc (09022015). Collection method: clinical testing. Allele origin: germline.
Comment: In summary, the available evidence is currently insufficient to determine the role of this variant in disease. Therefore, it has been classified as a Variant of Uncertain Significance. Algorithms developed to predict the effect of missense changes on protein structure and function output the following: SIFT: "Tolerated"; PolyPhen-2: "Benign"; Align-GVGD: "Class C0". The alanine amino acid residue is found in multiple mammalian species, suggesting that this missense change does not adversely affect protein function. These predictions have not been confirmed by published functional studies and their clinical significance is uncertain. This variant has not been reported in the literature in individuals with ATRX-related conditions. This variant is not present in population databases (ExAC no frequency). This sequence change replaces valine with alanine at codon 957 of the ATRX protein (p.Val957Ala). The valine residue is weakly conserved and there is a small physicochemical difference between valine and alanine.

Natera, Inc.
Classification: Uncertain significance for X-linked alpha-thalassemia-mental retardation syndrome. Last evaluated: 2020-08-18. Review status: no assertion criteria provided. Collection method: clinical testing. Allele origin: germline. Not counted in ClinVar's aggregate classification.

NM_000489.6(ATRX):c.2870T>C (p.Val957Ala)

Gene: ATRX (ATRX chromatin remodeler; minus strand). Cytogenetic location: Xq21.1.
Variant type: single nucleotide variant.
Coding change: c.2870T>C on transcript NM_000489.6 (MANE Select); coding-DNA position 2870, T replaced by C.
Protein change: p.Val957Ala; replaces valine 957 with alanine.
Molecular consequence: missense variant.
Genome position (GRCh38, 1-based): chrX:77,682,386, A>G on the plus strand (T>C on the coding strand, the complement: ATRX is on the minus strand). VCF-style: chrX-77682386-A-G. GRCh37 (hg19) VCF-style: chrX-76937878-A-G.
Other names: c.2756T>C, p.Val919Ala (NM_138270.5); short protein forms V919A, V957A.
Identifiers: ClinVar variation 1064168 (VCV001064168.13), dbSNP rs2148587031, ClinGen allele CA413710095.
Genomic context (GRCh38, chrX:77,682,386, plus strand): 5'-GTTTCATCGCTCTGGTCTTTCTTTAGGAATTTCTCTGCAATATCAGATAAGCCATCCTGT[A>G]CTTTTTTACATGTTTTGGTTTTGAGATGCTTGCTCTTTTCTTTAGTTTCAGCAACTTTTC-3'
Protein context (NP_000480.3, residues 947-967): KHLKTKTCKK[Val957Ala]QDGLSDIAEK